The following is an entry in ClinVar:

NM_004944.4(DNASE1L3):c.361G>A (p.Asp121Asn)

Gene: DNASE1L3 (deoxyribonuclease 1L3; minus strand). Cytogenetic location: 3p14.3.
Variant type: single nucleotide variant.
Coding change: c.361G>A on transcript NM_004944.4 (MANE Select); coding-DNA position 361, G replaced by A.
Protein change: p.Asp121Asn; replaces aspartic acid 121 with asparagine.
Molecular consequence: missense variant.
Genome position (GRCh38, 1-based): chr3:58,204,841, C>T on the plus strand (G>A on the coding strand, the complement: DNASE1L3 is on the minus strand). VCF-style: chr3-58204841-C-T. GRCh37 (hg19) VCF-style: chr3-58190568-C-T.
Other names: c.271G>A, p.Asp91Asn (NM_001256560.2); short protein forms D91N, D121N.
Identifiers: ClinVar variation 1384120 (VCV001384120.4), dbSNP rs2107378199, ClinGen allele CA353340128.
Genomic context (GRCh38, chr3:58,204,841, plus strand): 5'-ATTGGAACCAGACCACAAAGGGCTCCCTGGAAAACACATCTGCGTCTCCATCCTGATAGT[C>T]ATGGTAGTGATAACTCCTCTTCACAGACACCAGCTTTTCCCTATAAGAAGGAAAAGGAAG-3'
Protein context (NP_004935.1, residues 111-131): VSVKRSYHYH[Asp121Asn]YQDGDADVFS

ClinVar aggregate classification (germline): Uncertain significance (1 of 4 stars; one submission).

Submission:

Labcorp Genetics (formerly Invitae), Labcorp
Classification: Uncertain significance. Last evaluated: 2021-10-02. Review status: criteria provided, single submitter. Criteria: Invitae Variant Classification Sherloc (09022015). Collection method: clinical testing. Allele origin: germline.
Comment: In summary, the available evidence is currently insufficient to determine the role of this variant in disease. Therefore, it has been classified as a Variant of Uncertain Significance. Algorithms developed to predict the effect of missense changes on protein structure and function are either unavailable or do not agree on the potential impact of this missense change (SIFT: "Deleterious"; PolyPhen-2: "Probably Damaging"; Align-GVGD: "Class C15"). This variant has not been reported in the literature in individuals affected with DNASE1L3-related conditions. This variant is not present in population databases (ExAC no frequency). This sequence change replaces aspartic acid with asparagine at codon 121 of the DNASE1L3 protein (p.Asp121Asn). The aspartic acid residue is highly conserved and there is a small physicochemical difference between aspartic acid and asparagine.